The following is an entry in ClinVar:

NM_003242.6(TGFBR2):c.424G>A (p.Glu142Lys)

Gene: TGFBR2 (transforming growth factor beta receptor 2; plus strand). Cytogenetic location: 3p24.1.
Variant type: single nucleotide variant.
Coding change: c.424G>A on transcript NM_003242.6 (MANE Select); coding-DNA position 424, G replaced by A.
Protein change: p.Glu142Lys; replaces glutamic acid 142 with lysine.
Molecular consequence: missense variant.
Genome position (GRCh38, 1-based): chr3:30,650,430, G>A. VCF-style: chr3-30650430-G-A. GRCh37 (hg19) VCF-style: chr3-30691922-G-A.
Other names: c.499G>A, p.Glu167Lys (NM_001024847.3, NM_001407126.1, NM_001407139.1); c.424G>A, p.Glu142Lys (NM_001407127.1, NM_001407130.1); c.451G>A, p.Glu151Lys (NM_001407128.1); c.319G>A, p.Glu107Lys (NM_001407129.1, NM_001407132.1, NM_001407133.1 and 3 more transcripts); short protein forms E107K, E167K, E142K, E151K.
Identifiers: ClinVar variation 1739069 (VCV001739069.2), dbSNP rs1199303428, ClinGen allele CA351807065.

ClinVar aggregate classification (germline): Uncertain significance (1 of 4 stars; one submission).

Conditions:
Familial thoracic aortic aneurysm and aortic dissection (TAAD). Also called: Thoracic aortic aneurysms and dissections. Identifiers: Orphanet 91387, MedGen C4707243, MONDO:0019625.

Allele frequency attached by ClinVar (database versions not stated): TOPMed below 0.00001; gnomAD 0.00001.
gnomAD v4.1: 1 of 1,613,878 alleles (0.000062%); highest among the groups gnomAD compares: Non-Finnish European, 0.000085%; no homozygotes.

Submission:

Ambry Genetics
Classification: Uncertain significance for Familial thoracic aortic aneurysm and aortic dissection. Last evaluated: 2020-10-08. Review status: criteria provided, single submitter. Criteria: Ambry Variant Classification Scheme 2023. Collection method: clinical testing. Allele origin: germline.
Comment: The p.E142K variant (also known as c.424G>A), located in coding exon 3 of the TGFBR2 gene, results from a G to A substitution at nucleotide position 424. The glutamic acid at codon 142 is replaced by lysine, an amino acid with similar properties. This amino acid position is highly conserved in available vertebrate species. In addition, this alteration is predicted to be deleterious by in silico analysis. Since supporting evidence is limited at this time, the clinical significance of this alteration remains unclear.